The following is an entry in ClinVar:

NM_000283.4(PDE6B):c.2503+4T>C

Gene: PDE6B (phosphodiesterase 6B; plus strand). Cytogenetic location: 4p16.3.
Variant type: single nucleotide variant.
Coding change: c.2503+4T>C on transcript NM_000283.4 (MANE Select); 4 bases into the intron after coding-DNA position 2503, T replaced by C.
Molecular consequence: intron variant.
Genome position (GRCh38, 1-based): chr4:668,010, T>C. VCF-style: chr4-668010-T-C. GRCh37 (hg19) VCF-style: chr4-661799-T-C.
Other names: c.2503+4T>C (NM_001145291.2); c.2438+69T>C (NM_001440547.1); c.2352+1396T>C (NM_001440548.1); c.1666+4T>C (NM_001379246.1, NM_001379247.1, NM_001145292.2); c.1601+69T>C (NM_001350154.3); c.1283+69T>C (NM_001350155.3).
Identifiers: ClinVar variation 4726658 (VCV004726658.1).

ClinVar aggregate classification (germline): Uncertain significance (1 of 4 stars; one submission).

Submission:

Labcorp Genetics (formerly Invitae), Labcorp
Classification: Uncertain significance. Last evaluated: 2025-09-04. Review status: criteria provided, single submitter. Criteria: Invitae Variant Classification Sherloc (09022015). Collection method: clinical testing. Allele origin: germline.
Comment: This sequence change falls in intron 21 of the PDE6B gene. It does not directly change the encoded amino acid sequence of the PDE6B protein. It affects a nucleotide within the consensus splice site. This variant is not present in population databases (gnomAD no frequency). This variant has not been reported in the literature in individuals affected with PDE6B-related conditions. Variants that disrupt the consensus splice site are a relatively common cause of aberrant splicing (PMID: 17576681, 9536098). Algorithms developed to predict the effect of sequence changes on RNA splicing suggest that this variant is not likely to affect RNA splicing. In summary, the available evidence is currently insufficient to determine the role of this variant in disease. Therefore, it has been classified as a Variant of Uncertain Significance.

Literature cited by the submitters: PubMed 17576681; PubMed 9536098.